The following is an entry in ClinVar:

NM_004380.3(CREBBP):c.2811G>A (p.Pro937=)

Gene: CREBBP (CREB binding lysine acetyltransferase; minus strand). Cytogenetic location: 16p13.3.
Variant type: single nucleotide variant.
Coding change: c.2811G>A on transcript NM_004380.3 (MANE Select); coding-DNA position 2811, G replaced by A.
Protein change: p.Pro937=; no amino-acid change (proline 937 retained).
Molecular consequence: synonymous variant.
Genome position (GRCh38, 1-based): chr16:3,770,639, C>T on the plus strand (G>A on the coding strand, the complement: CREBBP is on the minus strand). VCF-style: chr16-3770639-C-T. GRCh37 (hg19) VCF-style: chr16-3820640-C-T.
Other names: c.2697G>A, p.Pro899= (NM_001079846.1).
Identifiers: ClinVar variation 95036 (VCV000095036.55), dbSNP rs146168040, ClinGen allele CA222687.
Genomic context (GRCh38, chr16:3,770,639, plus strand): 5'-AGGAGGCTGGGCGTGCACAGGCGTCGGCTGTTGCTGCGATGACTGAGGGGTAGCCACAGA[C>T]GGGGGCTGAACTGGGGTTTGAGGCTGCGGGGTCACCTGGGCCTGGGCTGCTGCCTGGACT-3'
Protein context (NP_004371.2, residues 927-947): TPQPQTPVQP[Pro937=]SVATPQSSQQ

ClinVar aggregate classification (germline): Conflicting classifications of pathogenicity. Review status: criteria provided, conflicting classifications (1 of 4 stars). 10 submissions from 10 submitters: Uncertain significance (1); Benign (2); Likely benign (4). 3 of the submissions do not count toward it. Last evaluated 2026-02-01.

Conditions:
CREBBP-related disorder. Also called: CREBBP-related disorders; CREBBP-related condition.
Rubinstein-Taybi syndrome (RSTS). Identifiers: Orphanet 783, MedGen C0035934, MONDO:0019188.
Inborn genetic diseases. Identifiers: MedGen C0950123, MeSH D030342.

Allele frequency attached by ClinVar (database versions not stated): gnomAD 0.00029 and 0.00038; ESP Exome Variant Server 0.00031; ExAC 0.00035; gnomAD exomes 0.00039; TOPMed 0.00040; 1000 Genomes Project 0.00060; 1000 Genomes Project 30x 0.00062.
gnomAD v4.1: 722 of 1,613,940 alleles (0.045%); highest among the groups gnomAD compares: Middle Eastern, 1.1%; 8 homozygotes.

Submissions (10):

CeGaT Center for Human Genetics Tuebingen
Classification: Likely benign. Last evaluated: 2026-02-01. Review status: criteria provided, single submitter. Criteria: CeGaT Center For Human Genetics Tuebingen Variant Classification Criteria Version 2. Collection method: clinical testing. Allele origin: germline. Affected: yes. Observed: 12 variant alleles.
Comment: CREBBP: BP4, BP7

Labcorp Genetics (formerly Invitae), Labcorp
Classification: Likely benign for Rubinstein-Taybi syndrome. Last evaluated: 2026-01-28. Review status: criteria provided, single submitter. Criteria: Invitae Variant Classification Sherloc (09022015). Collection method: clinical testing. Allele origin: germline.

Blueprint Genetics
Classification: Likely benign. Last evaluated: 2024-11-05. Review status: criteria provided, single submitter. Criteria: ACMG Guidelines, 2015. Collection method: clinical testing. Allele origin: germline.

Genetic Services Laboratory, University of Chicago
Classification: Benign. Last evaluated: 2021-06-21. Review status: criteria provided, single submitter. Criteria: ACMG Guidelines, 2015. Collection method: clinical testing. Allele origin: germline. Affected: no.

GeneDx
Classification: Benign. Last evaluated: 2020-10-21. Review status: criteria provided, single submitter. Criteria: GeneDx Variant Classification Process June 2021. Collection method: clinical testing. Allele origin: germline. Affected: yes.

Ambry Genetics
Classification: Likely benign for Inborn genetic diseases. Last evaluated: 2016-04-07. Review status: criteria provided, single submitter. Criteria: Ambry Variant Classification Scheme 2023. Collection method: clinical testing. Allele origin: germline.

Eurofins Ntd Llc (ga)
Classification: Uncertain significance. Last evaluated: 2015-04-08. Review status: criteria provided, single submitter. Criteria: EGL Classification Definitions 2015. Collection method: clinical testing. Allele origin: germline. Observed: 4 variant alleles, 4 heterozygotes.

PreventionGenetics, part of Exact Sciences
Classification: Likely benign for CREBBP-related condition. Last evaluated: 2021-09-09. Review status: no assertion criteria provided. Collection method: clinical testing. Allele origin: germline. Not counted in ClinVar's aggregate classification.
Comment: This variant is classified as likely benign based on ACMG/AMP sequence variant interpretation guidelines (Richards et al. 2015 PMID: 25741868, with internal and published modifications).

Clinical Genetics DNA and cytogenetics Diagnostics Lab, Erasmus MC, Erasmus Medical Center
Classification: Likely benign. Review status: no assertion criteria provided. Collection method: clinical testing. Allele origin: germline. Affected: yes. Study: VKGL Data-share Consensus. Not counted in ClinVar's aggregate classification.

Diagnostic Laboratory, Department of Genetics, University Medical Center Groningen
Classification: Likely benign. Review status: no assertion criteria provided. Collection method: clinical testing. Allele origin: germline. Affected: yes. Study: VKGL Data-share Consensus. Not counted in ClinVar's aggregate classification.